The following is an entry in ClinVar:

ClinVar aggregate classification (germline): Conflicting classifications of pathogenicity. Review status: criteria provided, conflicting classifications (1 of 4 stars). 4 submissions from 4 submitters: Uncertain significance (1); Benign (1); Likely benign (2). Last evaluated 2026-04-01.

Allele frequency attached by ClinVar (database versions not stated): ESP Exome Variant Server 0.00008; 1000 Genomes Project 30x 0.00016; 1000 Genomes Project 0.00020; gnomAD 0.00022 and 0.00023; TOPMed 0.00026; ExAC 0.00036; gnomAD exomes 0.00042.
gnomAD v4.1: 599 of 1,614,016 alleles (0.037%); highest among the groups gnomAD compares: Middle Eastern, 0.96%; 1 homozygote.

Submissions (4):

CeGaT Center for Human Genetics Tuebingen
Classification: Benign. Last evaluated: 2026-04-01. Review status: criteria provided, single submitter. Criteria: CeGaT Center For Human Genetics Tuebingen Variant Classification Criteria Version 2. Collection method: clinical testing. Allele origin: germline. Affected: yes. Observed: 3 variant alleles.
Comment: HDAC4: BS1, BS2

Labcorp Genetics (formerly Invitae), Labcorp
Classification: Likely benign. Last evaluated: 2025-10-28. Review status: criteria provided, single submitter. Criteria: Invitae Variant Classification Sherloc (09022015). Collection method: clinical testing. Allele origin: germline.

Blueprint Genetics
Classification: Likely benign. Last evaluated: 2024-10-23. Review status: criteria provided, single submitter. Criteria: ACMG Guidelines, 2015. Collection method: clinical testing. Allele origin: germline.

Eurofins Ntd Llc (ga)
Classification: Uncertain significance. Last evaluated: 2015-10-30. Review status: criteria provided, single submitter. Criteria: EGL Classification Definitions 2015. Collection method: clinical testing. Allele origin: germline. Observed: 3 variant alleles, 3 heterozygotes.

NM_001378414.1(HDAC4):c.2151G>A (p.Gln717=)

Gene: HDAC4 (histone deacetylase 4; minus strand). Cytogenetic location: 2q37.3.
Variant type: single nucleotide variant.
Coding change: c.2151G>A on transcript NM_001378414.1 (MANE Select); coding-DNA position 2151, G replaced by A.
Protein change: p.Gln717=; no amino-acid change (glutamine 717 retained).
Molecular consequence: synonymous variant.
Genome position (GRCh38, 1-based): chr2:239,102,858, C>T on the plus strand (G>A on the coding strand, the complement: HDAC4 is on the minus strand). VCF-style: chr2-239102858-C-T. GRCh37 (hg19) VCF-style: chr2-240024554-C-T.
Other names: c.2151G>A, p.Gln717= (NM_001378415.1); c.2136G>A, p.Gln712= (NM_001378416.1, NM_001378417.1, NM_006037.4).
Identifiers: ClinVar variation 284214 (VCV000284214.39), dbSNP rs138137158, ClinGen allele CA2199555.